The following is an entry in ClinVar:

ClinVar aggregate classification (germline): Uncertain significance (1 of 4 stars; one submission).

gnomAD v4.1: 12 of 1,608,708 alleles (0.00075%); highest among the groups gnomAD compares: Non-Finnish European, 0.001%; no homozygotes.

Submission:

Labcorp Genetics (formerly Invitae), Labcorp
Classification: Uncertain significance. Last evaluated: 2026-01-22. Review status: criteria provided, single submitter. Criteria: Invitae Variant Classification Sherloc (09022015). Collection method: clinical testing. Allele origin: germline.
Comment: This sequence change falls in intron 31 of the POLE gene. It does not directly change the encoded amino acid sequence of the POLE protein. This variant is not present in population databases (gnomAD no frequency). This variant has not been reported in the literature in individuals affected with POLE-related conditions. ClinVar contains an entry for this variant (Variation ID: 2889876). Studies have shown that this variant is associated with inconclusive levels of altered splicing (internal data). In summary, the available evidence is currently insufficient to determine the role of this variant in disease. Therefore, it has been classified as a Variant of Uncertain Significance.

NM_006231.4(POLE):c.4006-15C>A

Gene: POLE (DNA polymerase epsilon, catalytic subunit; minus strand). Cytogenetic location: 12q24.33.
Variant type: single nucleotide variant.
Coding change: c.4006-15C>A on transcript NM_006231.4 (MANE Select); 15 bases into the intron before coding-DNA position 4006, C replaced by A.
Molecular consequence: intron variant.
Genome position (GRCh38, 1-based): chr12:132,649,087, G>T on the plus strand (C>A on the coding strand, the complement: POLE is on the minus strand). VCF-style: chr12-132649087-G-T. GRCh37 (hg19) VCF-style: chr12-133225673-G-T.
Identifiers: ClinVar variation 2889876 (VCV002889876.3), dbSNP rs751257970, ClinGen allele CA2072988928.